The following is an entry in ClinVar:

ClinVar aggregate classification (germline): Likely pathogenic (1 of 4 stars; one submission).

Conditions:
Autosomal recessive nonsyndromic hearing loss 28. Identifiers: Orphanet 90636, MedGen C1853276, MONDO:0012355, OMIM 609823.

Submission:

Juno Genomics, Hangzhou Juno Genomics, Inc
Classification: Likely pathogenic for Autosomal recessive nonsyndromic hearing loss 28. Review status: criteria provided, single submitter. Criteria: ACMG Guidelines, 2015. Collection method: clinical testing. Allele origin: germline.
Comment: Null variant in a gene where loss of function (LOF) is a known mechanism of disease.;Absent from controls (or at extremely low frequency if recessive) in Genome Aggregation Database.

NM_001039141.3(TRIOBP):c.168_177del (p.Pro57fs)

Gene: TRIOBP (TRIO and F-actin binding protein; plus strand). Cytogenetic location: 22q13.1.
Variant type: Deletion.
Coding change: c.168_177del on transcript NM_001039141.3 (MANE Select); coding-DNA positions 168 to 177, 10 bases deleted (TCCACCTGCC; older notation c.168_177delTCCACCTGCC).
Protein change: p.Pro57fs; shifts the reading frame from proline 57.
Molecular consequence: frameshift variant.
Genome position (GRCh38, 1-based): chr22:37,710,480-37,710,489, TCCACCTGCC deleted. VCF-style (leftmost placement, unchanged base first): chr22-37710479-GTCCACCTGCC-G. GRCh37 (hg19) VCF-style: chr22-38106486-GTCCACCTGCC-G.
Other names: short protein forms P57fs.
Identifiers: ClinVar variation 5006486 (VCV005006486.2).